The following is an entry in ClinVar:

NM_000455.5(STK11):c.1282T>A (p.Ser428Thr)

Gene: STK11 (serine/threonine kinase 11; plus strand). Cytogenetic location: 19p13.3.
Variant type: single nucleotide variant.
Coding change: c.1282T>A on transcript NM_000455.5 (MANE Select); coding-DNA position 1282, T replaced by A.
Protein change: p.Ser428Thr; replaces serine 428 with threonine.
Molecular consequence: missense variant.
Genome position (GRCh38, 1-based): chr19:1,226,627, T>A. VCF-style: chr19-1226627-T-A. GRCh37 (hg19) VCF-style: chr19-1226626-T-A.
Other names: short protein forms S428T.
Identifiers: ClinVar variation 419536 (VCV000419536.24), dbSNP rs1064793938, ClinGen allele CA16620761.

ClinVar aggregate classification (germline): Conflicting classifications of pathogenicity. Review status: criteria provided, conflicting classifications (1 of 4 stars). 7 submissions from 7 submitters: Uncertain significance (6); Benign (1). Last evaluated 2025-10-28.

Conditions:
Peutz-Jeghers syndrome (PJS). Also called: Peutz-Jeghers polyposis; Periorificial lentiginosis syndrome; POLYPOSIS, HAMARTOMATOUS INTESTINAL; POLYPS-AND-SPOTS SYNDROME. Identifiers: Orphanet 2869, MedGen C0031269, MeSH D010580, MONDO:0008280, OMIM 175200.
Hereditary cancer-predisposing syndrome. Also called: Hereditary neoplastic syndrome; Hereditary Cancer Syndrome; Neoplastic Syndromes, Hereditary; Tumor predisposition. Identifiers: Orphanet 140162, MedGen C0027672, MeSH D009386, MONDO:0015356.
Melanoma, cutaneous malignant, susceptibility to, 1 (CMM1). Also called: MELANOMA, MALIGNANT; DYSPLASTIC NEVUS SYNDROME, HEREDITARY; FAMILIAL ATYPICAL MOLE-MALIGNANT MELANOMA SYNDROME; B-K MOLE SYNDROME. Identifiers: Orphanet 618, MedGen C1835047, MONDO:0007963, OMIM 155600.

Allele frequency attached by ClinVar (database versions not stated): gnomAD exomes below 0.00001.
gnomAD v4.1: 5 of 1,543,778 alleles (0.00032%); highest among the groups gnomAD compares: Non-Finnish European, 0.00044%; no homozygotes.

Submissions (7):

Labcorp Genetics (formerly Invitae), Labcorp
Classification: Benign for Peutz-Jeghers syndrome. Last evaluated: 2025-10-28. Review status: criteria provided, single submitter. Criteria: Invitae Variant Classification Sherloc (09022015). Collection method: clinical testing. Allele origin: germline.

Ambry Genetics
Classification: Uncertain significance for Hereditary cancer-predisposing syndrome. Last evaluated: 2024-08-24. Review status: criteria provided, single submitter. Criteria: Ambry Variant Classification Scheme 2023. Collection method: clinical testing. Allele origin: germline.
Comment: The p.S428T variant (also known as c.1282T>A), located in coding exon 9 of the STK11 gene, results from a T to A substitution at nucleotide position 1282. The serine at codon 428 is replaced by threonine, an amino acid with similar properties. This amino acid position is highly conserved in available vertebrate species. In addition, this alteration is predicted to be tolerated by in silico analysis. Since supporting evidence is limited at this time, the clinical significance of this alteration remains unclear.

Color Diagnostics, LLC DBA Color Health
Classification: Uncertain significance for Hereditary cancer-predisposing syndrome. Last evaluated: 2024-03-06. Review status: criteria provided, single submitter. Criteria: ACMG Guidelines, 2015. Collection method: clinical testing. Allele origin: germline.
Comment: This missense variant replaces serine with threonine at codon 428 of the STK11 protein. Computational prediction suggests that this variant may not impact protein structure and function (internally defined REVEL score threshold <= 0.5, PMID: 27666373). To our knowledge, functional studies have not been reported for this variant. This variant has not been reported in individuals affected with hereditary cancer in the literature. This variant has not been identified in the general population by the Genome Aggregation Database (gnomAD). The available evidence is insufficient to determine the role of this variant in disease conclusively. Therefore, this variant is classified as a Variant of Uncertain Significance.

Baylor Genetics
Classification: Uncertain significance for Melanoma, cutaneous malignant, susceptibility to, 1. Last evaluated: 2023-09-22. Review status: criteria provided, single submitter. Criteria: ACMG Guidelines, 2015. Collection method: clinical testing. Allele origin: unknown.

GeneDx
Classification: Uncertain significance. Last evaluated: 2022-06-20. Review status: criteria provided, single submitter. Criteria: GeneDx Variant Classification Process June 2021. Collection method: clinical testing. Allele origin: germline. Affected: yes.
Comment: Not observed at significant frequency in large population cohorts (gnomAD); In silico analysis supports that this missense variant does not alter protein structure/function; Has not been previously published as pathogenic or benign to our knowledge; This variant is associated with the following publications: (PMID: 18854309, 18321849, 28900777)

Genome-Nilou Lab
Classification: Uncertain significance for Peutz-Jeghers syndrome. Last evaluated: 2021-07-15. Review status: criteria provided, single submitter. Criteria: ACMG Guidelines, 2015. Collection method: clinical testing. Allele origin: germline. Affected: no.

Women's Health and Genetics/Laboratory Corporation of America, LabCorp
Classification: Uncertain significance. Last evaluated: 2019-04-25. Review status: criteria provided, single submitter. Criteria: LabCorp Variant Classification Summary - May 2015. Collection method: clinical testing. Allele origin: germline.
Comment: Variant summary: STK11 c.1282T>A (p.Ser428Thr) results in a conservative amino acid change in the encoded protein sequence. Three of five in-silico tools predict a benign effect of the variant on protein function. The variant was absent in 140794 control chromosomes. The available data on variant occurrences in the general population are insufficient to allow any conclusion about variant significance. To our knowledge, no occurrence of c.1282T>A in individuals affected with Peutz-Jeghers Syndrome and no experimental evidence demonstrating its impact on protein function have been reported. Co-occurrences with other pathogenic variant(s) have been reported (RAD51C c.1282T>A, p.Tyr210X). Four ClinVar submissions from clinical diagnostic laboratories (evaluation after 2014) cite the variant as uncertain significance. Based on the evidence outlined above, the variant was classified as uncertain significance.